The following is an entry in ClinVar:

ClinVar aggregate classification (germline): Benign/Likely benign. Review status: criteria provided, multiple submitters, no conflicts (2 of 4 stars). 3 submissions from 3 submitters: Benign (1); Likely benign (2). Last evaluated 2026-02-05.

Conditions:
Hereditary cancer-predisposing syndrome. Also called: Tumor predisposition; Hereditary neoplastic syndrome; Neoplastic Syndromes, Hereditary; Hereditary Cancer Syndrome. Identifiers: Orphanet 140162, MedGen C0027672, MeSH D009386, MONDO:0015356.
Familial cancer of breast. Also called: Hereditary breast cancer; BREAST CANCER, FAMILIAL; hereditary breast carcinoma. Identifiers: Orphanet 227535, MedGen C0346153, MONDO:0016419, OMIM 114480. Disease mechanism: loss of function.
Ataxia-telangiectasia syndrome (AT). Also called: Ataxia-telangiectasia, complementation group D; AT, COMPLEMENTATION GROUP C; ATAXIA-TELANGIECTASIA, COMPLEMENTATION GROUP A; ATAXIA-TELANGIECTASIA, FRESNO VARIANT; Ataxia-telangiectasia; LOUIS-BAR SYNDROME. Identifiers: Orphanet 100, MedGen C0004135, MONDO:0008840, OMIM 208900.

Allele frequency attached by ClinVar (database versions not stated): gnomAD exomes below 0.00001; TOPMed 0.00001.
gnomAD v4.1: 2 of 1,613,964 alleles (0.00012%); highest among the groups gnomAD compares: African/African-American, 0.0027%; no homozygotes.

Submissions (3):

Ambry Genetics
Classification: Likely benign for Hereditary cancer-predisposing syndrome. Last evaluated: 2026-02-05. Review status: criteria provided, single submitter. Criteria: Ambry Variant Classification Scheme 2023. Collection method: clinical testing. Allele origin: germline.

Labcorp Genetics (formerly Invitae), Labcorp
Classification: Likely benign for Ataxia-telangiectasia syndrome. Last evaluated: 2025-12-08. Review status: criteria provided, single submitter. Criteria: Invitae Variant Classification Sherloc (09022015). Collection method: clinical testing. Allele origin: germline.

Myriad Genetics, Inc.
Classification: Benign for Familial cancer of breast. Last evaluated: 2024-06-18. Review status: criteria provided, single submitter. Criteria: Myriad Autosomal Dominant, Autosomal Recessive and X-Linked Classification Criteria (2023). Collection method: clinical testing. Allele origin: unknown.
Comment: This variant is considered benign. This variant is a silent/synonymous amino acid change and it is not expected to impact splicing.

NM_000051.4(ATM):c.8073C>G (p.Arg2691=)

Genes: ATM (ATM serine/threonine kinase; plus strand), C11orf65 (chromosome 11 open reading frame 65; minus strand). Cytogenetic location: 11q22.3.
Variant type: single nucleotide variant.
Coding change: c.8073C>G on transcript NM_000051.4 (MANE Select); coding-DNA position 8073, C replaced by G.
Protein change: p.Arg2691=; no amino-acid change (arginine 2691 retained).
Molecular consequence: synonymous variant. On other transcripts: intron variant (2).
Genome position (GRCh38, 1-based): chr11:108,335,031, C>G. VCF-style: chr11-108335031-C-G. GRCh37 (hg19) VCF-style: chr11-108205758-C-G.
Other names: c.8073C>G, p.Arg2691= (NM_001351834.2); c.641-25960G>C (NM_001330368.2); c.*38+189G>C (NM_001351110.2).
Identifiers: ClinVar variation 653281 (VCV000653281.11), dbSNP rs1215882325, ClinGen allele CA476677663.
Genomic context (GRCh38, chr11:108,335,031, plus strand): 5'-GGACCACACAGGAGAATATGGAAATCTGGTGACTATACAGTCATTTAAAGCAGAATTTCG[C>G]TTAGCAGGAGGTGTAAATTTACCAAAAATAATAGATTGTGTAGGTTCCGATGGCAAGGAG-3'
Protein context (NP_000042.3, residues 2681-2701): VTIQSFKAEF[Arg2691=]LAGGVNLPKI